The following is an entry in ClinVar:

NM_199420.4(POLQ):c.6176A>C (p.Gln2059Pro)

Gene: POLQ (DNA polymerase theta; minus strand). Cytogenetic location: 3q13.33.
Variant type: single nucleotide variant.
Coding change: c.6176A>C on transcript NM_199420.4 (MANE Select); coding-DNA position 6176, A replaced by C.
Protein change: p.Gln2059Pro; replaces glutamine 2059 with proline.
Molecular consequence: missense variant.
Genome position (GRCh38, 1-based): chr3:121,481,607, T>G on the plus strand (A>C on the coding strand, the complement: POLQ is on the minus strand). VCF-style: chr3-121481607-T-G. GRCh37 (hg19) VCF-style: chr3-121200454-T-G.
Other names: short protein forms Q2059P.
Identifiers: ClinVar variation 1752024 (VCV001752024.2), dbSNP rs2546780272, ClinGen allele CA354087667.

ClinVar aggregate classification (germline): Uncertain significance (1 of 4 stars; one submission).

gnomAD v4.1: 1 of 1,610,798 alleles (0.000062%); highest among the groups gnomAD compares: Non-Finnish European, 0.000085%; no homozygotes.

Submission:

Ambry Genetics
Classification: Uncertain significance. Last evaluated: 2022-09-20. Review status: criteria provided, single submitter. Criteria: Ambry Variant Classification Scheme 2023. Collection method: clinical testing. Allele origin: germline.
Comment: The p.Q2059P variant (also known as c.6176A>C), located in coding exon 19 of the POLQ gene, results from an A to C substitution at nucleotide position 6176. The glutamine at codon 2059 is replaced by proline, an amino acid with similar properties. This amino acid position is conserved. In addition, the in silico prediction for this alteration is inconclusive. Since supporting evidence is limited at this time, the clinical significance of this alteration remains unclear.